The following is an entry in ClinVar:

NM_000535.7(PMS2):c.206C>A (p.Ser69Ter)

Gene: PMS2 (PMS1 homolog 2, mismatch repair system component; minus strand). Cytogenetic location: 7p22.1.
Variant type: single nucleotide variant.
Coding change: c.206C>A on transcript NM_000535.7 (MANE Select); coding-DNA position 206, C replaced by A.
Protein change: p.Ser69Ter; replaces serine 69 with a stop codon.
Molecular consequence: nonsense. On other transcripts: 5 prime UTR variant (11), non-coding transcript variant (1).
Genome position (GRCh38, 1-based): chr7:6,004,016, G>T on the plus strand (C>A on the coding strand, the complement: PMS2 is on the minus strand). VCF-style: chr7-6004016-G-T. GRCh37 (hg19) VCF-style: chr7-6043647-G-T.
Other names: c.-200C>A (NM_001322003.2, NM_001322004.2, NM_001322005.2 and 3 more transcripts); c.206C>A, p.Ser69Ter (NM_001322006.2, NM_001322014.2); c.-10C>A (NM_001322007.2, NM_001322008.2); c.-679C>A (NM_001322011.2, NM_001322012.2); c.-279C>A (NM_001322015.2); short protein forms S69*.
Identifiers: ClinVar variation 492272 (VCV000492272.7), dbSNP rs730881914, ClinGen allele CA366744852.
Genomic context (GRCh38, chr7:6,004,016, plus strand): 5'-GAAAAAGTCAACTTACTTAAGCCTTCGAAGTTTTCTTCTTCTACCCCACATCCATTGTCT[G>T]AAACTTCAATAAGATCCACTCCATAGTCCTTAAGCTTTAGATCTAGAAAGTTTAAAATAT-3'

ClinVar aggregate classification (germline): Pathogenic. Review status: criteria provided, multiple submitters, no conflicts (2 of 4 stars). 4 submissions from 4 submitters: Pathogenic (4). Last evaluated 2025-03-26.

Conditions:
Hereditary nonpolyposis colon cancer (HNPCC). Also called: Hereditary Nonpolyposis Colorectal Cancer Syndrome; Hereditary nonpolyposis colorectal cancer; Familial nonpolyposis colon cancer. Identifiers: Orphanet 443909, MedGen C1333990, MONDO:0018630. Disease mechanism: loss of function.
Lynch syndrome 4 (LYNCH4). Also called: Colorectal cancer, hereditary nonpolyposis, type 4; Hereditary non-polyposis colorectal cancer, type 4. Identifiers: Orphanet 144, MedGen C1838333, MONDO:0013699, OMIM 614337. Disease mechanism: loss of function.
Hereditary cancer-predisposing syndrome. Also called: Hereditary neoplastic syndrome; Tumor predisposition; Hereditary Cancer Syndrome; Neoplastic Syndromes, Hereditary. Identifiers: Orphanet 140162, MedGen C0027672, MeSH D009386, MONDO:0015356.

Submissions (4):

Women's Health and Genetics/Laboratory Corporation of America, LabCorp
Classification: Pathogenic for Hereditary nonpolyposis colon cancer. Last evaluated: 2025-03-26. Review status: criteria provided, single submitter. Criteria: LabCorp Variant Classification Summary - May 2015. Collection method: clinical testing. Allele origin: germline.
Comment: Variant summary: PMS2 c.206C>A (p.Ser69X) results in a premature termination codon, predicted to cause a truncation of the encoded protein or absence of the protein due to nonsense mediated decay, which are commonly known mechanisms for disease. The variant was absent in 250716 control chromosomes. To our knowledge, no occurrence of c.206C>A in individuals affected with Lynch Syndrome and no experimental evidence demonstrating its impact on protein function have been reported. ClinVar contains an entry for this variant (Variation ID: 492272). Based on the evidence outlined above, the variant was classified as pathogenic.

Myriad Genetics, Inc.
Classification: Pathogenic for Lynch syndrome 4. Last evaluated: 2023-09-18. Review status: criteria provided, single submitter. Criteria: Myriad Autosomal Dominant, Autosomal Recessive and X-Linked Classification Criteria (2023). Collection method: clinical testing. Allele origin: unknown.
Comment: This variant is considered pathogenic. This variant creates a termination codon and is predicted to result in premature protein truncation.

Color Diagnostics, LLC DBA Color Health
Classification: Pathogenic for Hereditary cancer-predisposing syndrome. Last evaluated: 2020-04-02. Review status: criteria provided, single submitter. Criteria: ACMG Guidelines, 2015. Collection method: clinical testing. Allele origin: germline.
Comment: This variant changes 1 nucleotide in exon 3 of the PMS2 gene, creating a premature translation stop signal. This variant is expected to result in an absent or non-functional protein product. To our knowledge, this variant has not been reported in individuals affected with hereditary cancer in the literature. This variant has not been identified in the general population by the Genome Aggregation Database (gnomAD). Loss of PMS2 function is a known mechanism of disease. Based on the available evidence, this variant is classified as Pathogenic.

GeneDx
Classification: Pathogenic. Last evaluated: 2016-10-05. Review status: criteria provided, single submitter. Criteria: GeneDx Variant Classification (06012015). Collection method: clinical testing. Allele origin: germline. Affected: yes.
Comment: This variant is denoted PMS2 c.206C>A at the cDNA level and p.Ser69Ter (S69X) at the protein level. The substitution creates a nonsense variant, which changes a Serine to a premature stop codon (TCA>TAA), and is predicted to cause loss of normal protein function through either protein truncation or nonsense-mediated mRNA decay. Although this variant has not, to our knowledge, been reported in the literature, it is considered pathogenic.